The following is an entry in ClinVar:

ClinVar aggregate classification (germline): Uncertain significance. Review status: criteria provided, multiple submitters, no conflicts (2 of 4 stars). 2 submissions from 2 submitters: Uncertain significance (2). Last evaluated 2024-09-16.

Allele frequency attached by ClinVar (database versions not stated): TOPMed 0.00001; gnomAD exomes 0.00002.
gnomAD v4.1: 34 of 1,563,832 alleles (0.0022%); highest among the groups gnomAD compares: Non-Finnish European, 0.0029%; no homozygotes.

Submissions (2):

Labcorp Genetics (formerly Invitae), Labcorp
Classification: Uncertain significance. Last evaluated: 2024-09-16. Review status: criteria provided, single submitter. Criteria: Invitae Variant Classification Sherloc (09022015). Collection method: clinical testing. Allele origin: germline.
Comment: This sequence change replaces arginine, which is basic and polar, with serine, which is neutral and polar, at codon 286 of the GRM6 protein (p.Arg286Ser). This variant is present in population databases (rs779149337, gnomAD 0.002%). This variant has not been reported in the literature in individuals affected with GRM6-related conditions. ClinVar contains an entry for this variant (Variation ID: 1907377). An algorithm developed to predict the effect of missense changes on protein structure and function (PolyPhen-2) suggests that this variant is likely to be disruptive. In summary, the available evidence is currently insufficient to determine the role of this variant in disease. Therefore, it has been classified as a Variant of Uncertain Significance.

Blueprint Genetics
Classification: Uncertain significance. Last evaluated: 2018-11-07. Review status: criteria provided, single submitter. Criteria: ACMG Guidelines, 2015. Collection method: clinical testing. Allele origin: germline.

NM_000843.4(GRM6):c.858G>C (p.Arg286Ser)

Gene: GRM6 (glutamate metabotropic receptor 6; minus strand). Cytogenetic location: 5q35.3.
Variant type: single nucleotide variant.
Coding change: c.858G>C on transcript NM_000843.4 (MANE Select); coding-DNA position 858, G replaced by C.
Protein change: p.Arg286Ser; replaces arginine 286 with serine.
Molecular consequence: missense variant.
Genome position (GRCh38, 1-based): chr5:178,990,746, C>G on the plus strand (G>C on the coding strand, the complement: GRM6 is on the minus strand). VCF-style: chr5-178990746-C-G. GRCh37 (hg19) VCF-style: chr5-178417747-C-G.
Other names: short protein forms R286S.
Identifiers: ClinVar variation 1907377 (VCV001907377.5), dbSNP rs779149337, ClinGen allele CA3594313.
Genomic context (GRCh38, chr5:178,990,746, plus strand): 5'-TGAGCCGACCCACAGGAAGTGGCCGGTCAGGTTGGCCTGGCGAGCTGCCTCCAGGACCCG[C>G]CTGGTAGGAGCAGGGCTGGGGTGAGGGAGGGCCTGGGAGCCTCCTCCAGCTCGGCCCCCA-3'
Protein context (NP_000834.2, residues 276-296): IIIFANEDDI[Arg286Ser]RVLEAARQAN